The following is an entry in ClinVar:

ClinVar aggregate classification (germline): Benign. Review status: criteria provided, multiple submitters, no conflicts (2 of 4 stars). 6 submissions from 6 submitters: Benign (5). 1 of the submissions does not count toward it. Last evaluated 2026-09-01.

Conditions:
VPS13D-related disorder. Also called: VPS13D-related condition.

Allele frequency attached by ClinVar (database versions not stated): gnomAD 0.01319 and 0.01391; gnomAD exomes 0.01395 and 0.01423; 1000 Genomes Project 30x 0.00531; 1000 Genomes Project 0.00539; TOPMed 0.00951; ExAC 0.01246; ESP Exome Variant Server 0.01284.
gnomAD v4.1: 22,752 of 1,612,936 alleles (1.4%); highest among the groups gnomAD compares: Non-Finnish European, 1.4%; 241 homozygotes.

Submissions (6):

CeGaT Center for Human Genetics Tuebingen
Classification: Benign. Last evaluated: 2026-09-01. Review status: criteria provided, single submitter. Criteria: CeGaT Center For Human Genetics Tuebingen Variant Classification Criteria Version 2. Collection method: clinical testing. Allele origin: germline. Affected: yes. Observed: 49 variant alleles.
Comment: VPS13D: BP4, BP7, BS1, BS2

Labcorp Genetics (formerly Invitae), Labcorp
Classification: Benign. Last evaluated: 2026-02-02. Review status: criteria provided, single submitter. Criteria: Invitae Variant Classification Sherloc (09022015). Collection method: clinical testing. Allele origin: germline.

Mayo Clinic Laboratories, Mayo Clinic
Classification: Benign. Last evaluated: 2023-01-23. Review status: criteria provided, single submitter. Criteria: ACMG Guidelines, 2015. Collection method: clinical testing. Allele origin: germline. Observed: 60 variant alleles.

GeneDx
Classification: Benign. Last evaluated: 2021-05-06. Review status: criteria provided, single submitter. Criteria: GeneDx Variant Classification Process June 2021. Collection method: clinical testing. Allele origin: germline. Affected: yes.

Breakthrough Genomics
Classification: Benign. Review status: criteria provided, single submitter. Criteria: ACMG Guidelines, 2015. Collection method: not provided. Allele origin: germline. Inheritance: Autosomal recessive inheritance. Affected: yes.

PreventionGenetics, part of Exact Sciences
Classification: Likely benign for VPS13D-related condition. Last evaluated: 2019-03-18. Review status: no assertion criteria provided. Collection method: clinical testing. Allele origin: germline. Not counted in ClinVar's aggregate classification.
Comment: This variant is classified as likely benign based on ACMG/AMP sequence variant interpretation guidelines (Richards et al. 2015 PMID: 25741868, with internal and published modifications).

NM_015378.4(VPS13D):c.9024T>C (p.Ile3008=)

Gene: VPS13D (vacuolar protein sorting 13 homolog D; plus strand). Cytogenetic location: 1p36.22.
Variant type: single nucleotide variant.
Coding change: c.9024T>C on transcript NM_015378.4 (MANE Select); coding-DNA position 9024, T replaced by C.
Protein change: p.Ile3008=; no amino-acid change (isoleucine 3008 retained).
Molecular consequence: synonymous variant.
Genome position (GRCh38, 1-based): chr1:12,346,607, T>C. VCF-style: chr1-12346607-T-C. GRCh37 (hg19) VCF-style: chr1-12406664-T-C.
Other names: p.Ile3008=; c.8949T>C, p.Ile2983= (NM_018156.4).
Identifiers: ClinVar variation 1276526 (VCV001276526.39), dbSNP rs41279460, ClinGen allele CA603313.